The following is an entry in ClinVar:

NM_001197104.2(KMT2A):c.8192C>A (p.Thr2731Asn)

Gene: KMT2A (lysine methyltransferase 2A; plus strand). Cytogenetic location: 11q23.3.
Variant type: single nucleotide variant.
Coding change: c.8192C>A on transcript NM_001197104.2 (MANE Select); coding-DNA position 8192, C replaced by A.
Protein change: p.Thr2731Asn; replaces threonine 2731 with asparagine.
Molecular consequence: missense variant.
Genome position (GRCh38, 1-based): chr11:118,504,084, C>A. VCF-style: chr11-118504084-C-A. GRCh37 (hg19) VCF-style: chr11-118374799-C-A.
Other names: c.8282C>A, p.Thr2761Asn (NM_001412597.1); c.8183C>A, p.Thr2728Asn (NM_005933.4); short protein forms T2761N, T2728N, T2731N.
Identifiers: ClinVar variation 2974337 (VCV002974337.3), dbSNP rs1555047042, ClinGen allele CA382809129.

ClinVar aggregate classification (germline): Uncertain significance (1 of 4 stars; one submission).

gnomAD v4.1: 5 of 1,614,096 alleles (0.00031%); highest among the groups gnomAD compares: South Asian, 0.0033%; no homozygotes.

Submission:

Labcorp Genetics (formerly Invitae), Labcorp
Classification: Uncertain significance. Last evaluated: 2023-09-11. Review status: criteria provided, single submitter. Criteria: Invitae Variant Classification Sherloc (09022015). Collection method: clinical testing. Allele origin: germline.
Comment: This sequence change replaces threonine, which is neutral and polar, with asparagine, which is neutral and polar, at codon 2731 of the KMT2A protein (p.Thr2731Asn). This variant is present in population databases (no rsID available, gnomAD 0.006%). This variant has not been reported in the literature in individuals affected with KMT2A-related conditions. Advanced modeling of protein sequence and biophysical properties (such as structural, functional, and spatial information, amino acid conservation, physicochemical variation, residue mobility, and thermodynamic stability) performed at Invitae indicates that this missense variant is not expected to disrupt KMT2A protein function. In summary, the available evidence is currently insufficient to determine the role of this variant in disease. Therefore, it has been classified as a Variant of Uncertain Significance.